The following is an entry in ClinVar:

NM_003812.4(ADAM23):c.1346-1G>C

Gene: ADAM23 (ADAM metallopeptidase domain 23; plus strand). Cytogenetic location: 2q33.3.
Variant type: single nucleotide variant.
Coding change: c.1346-1G>C on transcript NM_003812.4 (MANE Select); the canonical splice acceptor site of the intron before coding-DNA position 1346, G replaced by C.
Molecular consequence: splice acceptor variant.
Genome position (GRCh38, 1-based): chr2:206,565,019, G>C. VCF-style: chr2-206565019-G-C. GRCh37 (hg19) VCF-style: chr2-207429743-G-C.
Other names: c.1346-1G>C (NM_001410985.1).
Identifiers: ClinVar variation 4879292 (VCV004879292.1).

ClinVar aggregate classification (germline): Uncertain significance (1 of 4 stars; one submission).

Submission:

Clinical Genomics Laboratory, Washington University in St. Louis
Classification: Uncertain significance. Last evaluated: 2026-05-02. Review status: criteria provided, single submitter. Criteria: ACMG Guidelines, 2015. Collection method: clinical testing. Allele origin: germline.
Comment: The ADAM23 c.1346-1G>C variant, to our knowledge, has not been reported in the medical literature. This variant is absent from the general population (gnomAD v2.1.1), indicating it is not a common variant. This variant occurs within the canonical splice donor site, which is predicted to cause skipping of the exon, leading to an out of frame transcript. Due to limited information, the clinical significance of this variant is uncertain.